The following is an entry in ClinVar:

NM_001365951.3(KIF1B):c.2817C>G (p.Phe939Leu)

Genes: KIF1B (kinesin family member 1B; plus strand), LOC126805614 (BRD4-independent group 4 enhancer GRCh37_chr1:10385546-10386745; plus strand). Cytogenetic location: 1p36.22.
Variant type: single nucleotide variant.
Coding change: c.2817C>G on transcript NM_001365951.3 (MANE Select); coding-DNA position 2817, C replaced by G.
Protein change: p.Phe939Leu; replaces phenylalanine 939 with leucine.
Molecular consequence: missense variant.
Genome position (GRCh38, 1-based): chr1:10,326,252, C>G. VCF-style: chr1-10326252-C-G. GRCh37 (hg19) VCF-style: chr1-10386310-C-G.
Other names: c.2817C>G, p.Phe939Leu (NM_001365952.1); c.2679C>G, p.Phe893Leu (NM_015074.3); short protein forms F893L, F939L.
Identifiers: ClinVar variation 2497117 (VCV002497117.3), dbSNP rs757816359, ClinGen allele CA338337249.
Genomic context (GRCh38, chr1:10,326,252, plus strand): 5'-CATCACTGAGCTGGCTGACGAGCAGCAAGATGAGATGGAGGATTTTGATGATGAGGCATT[C>G]GTGGATGACGCCGGCTCTGACGCAGGGACGGAGGAGGGATCAGATCTCTTCAGTGACGGG-3'
Protein context (NP_001352880.1, residues 929-949): DEMEDFDDEA[Phe939Leu]VDDAGSDAGT

ClinVar aggregate classification (germline): Uncertain significance (1 of 4 stars; one submission).

Submission:

Ambry Genetics
Classification: Uncertain significance. Last evaluated: 2025-06-25. Review status: criteria provided, single submitter. Criteria: Ambry Variant Classification Scheme 2023. Collection method: clinical testing. Allele origin: germline.
Comment: The p.F893L variant (also known as c.2679C>G), located in coding exon 24 of the KIF1B gene, results from a C to G substitution at nucleotide position 2679. The phenylalanine at codon 893 is replaced by leucine, an amino acid with highly similar properties. This amino acid position is conserved. In addition, this alteration is predicted to be tolerated by in silico analysis. Since supporting evidence is limited at this time, the clinical significance of this alteration remains unclear.